The following is an entry in ClinVar:

NM_022124.6(CDH23):c.3143G>A (p.Arg1048His)

Gene: CDH23 (cadherin related 23; plus strand). Cytogenetic location: 10q22.1.
Variant type: single nucleotide variant.
Coding change: c.3143G>A on transcript NM_022124.6 (MANE Select); coding-DNA position 3143, G replaced by A.
Protein change: p.Arg1048His; replaces arginine 1048 with histidine.
Molecular consequence: missense variant.
Genome position (GRCh38, 1-based): chr10:71,709,134, G>A. VCF-style: chr10-71709134-G-A. GRCh37 (hg19) VCF-style: chr10-73468891-G-A.
Other names: c.3143G>A, p.Arg1048His (NM_001171930.2); c.3143G>A (NM_022124.5); short protein forms R1048H.
Identifiers: ClinVar variation 1046249 (VCV001046249.5), dbSNP rs747839724, ClinGen allele CA5544492.
Genomic context (GRCh38, chr10:71,709,134, plus strand): 5'-AAGCTTCCTCTCCTTCACCCACAGGTGGCAACGTGGATGGGAAGTTCAGCGTGGGTTACC[G>A]CGATGCCGTTGTGAGAACCGTGGTGGGCCTGGACCGGGAGACCACAGCCGCCTACATGCT-3'
Protein context (NP_071407.4, residues 1038-1058): NVDGKFSVGY[Arg1048His]DAVVRTVVGL

ClinVar aggregate classification (germline): Uncertain significance. Review status: criteria provided, multiple submitters, no conflicts (2 of 4 stars). 4 submissions from 4 submitters: Uncertain significance (3). 1 of the submissions does not count toward it. Last evaluated 2025-06-16.

Conditions:
Inborn genetic diseases. Identifiers: MedGen C0950123, MeSH D030342.
Usher syndrome type 1 (USH1). Also called: RETINITIS PIGMENTOSA AND CONGENITAL DEAFNESS. Identifiers: Orphanet 231169, Orphanet 886, MedGen C1568247, MONDO:0010168, OMIM 276900.

Allele frequency attached by ClinVar (database versions not stated): gnomAD 0.00001; TOPMed 0.00001; ExAC 0.00002; gnomAD exomes 0.00002.
gnomAD v4.1: 28 of 1,613,832 alleles (0.0017%); highest among the groups gnomAD compares: East Asian, 0.0045%; no homozygotes.

Submissions (4):

Ambry Genetics
Classification: Uncertain significance for Inborn genetic diseases. Last evaluated: 2025-06-16. Review status: criteria provided, single submitter. Criteria: Ambry Variant Classification Scheme 2023. Collection method: clinical testing. Allele origin: germline.

Blueprint Genetics
Classification: Uncertain significance. Last evaluated: 2023-06-08. Review status: criteria provided, single submitter. Criteria: ACMG Guidelines, 2015. Collection method: clinical testing. Allele origin: germline.

Labcorp Genetics (formerly Invitae), Labcorp
Classification: Uncertain significance. Last evaluated: 2022-07-15. Review status: criteria provided, single submitter. Criteria: Invitae Variant Classification Sherloc (09022015). Collection method: clinical testing. Allele origin: germline.
Comment: This sequence change replaces arginine, which is basic and polar, with histidine, which is basic and polar, at codon 1048 of the CDH23 protein (p.Arg1048His). This variant is present in population databases (rs747839724, gnomAD 0.004%). This variant has not been reported in the literature in individuals affected with CDH23-related conditions. ClinVar contains an entry for this variant (Variation ID: 1046249). Algorithms developed to predict the effect of missense changes on protein structure and function are either unavailable or do not agree on the potential impact of this missense change (SIFT: "Deleterious"; PolyPhen-2: "Not Available"; Align-GVGD: "Class C25"). In summary, the available evidence is currently insufficient to determine the role of this variant in disease. Therefore, it has been classified as a Variant of Uncertain Significance.

Natera, Inc.
Classification: Uncertain significance for Usher syndrome type 1. Last evaluated: 2019-12-30. Review status: no assertion criteria provided. Collection method: clinical testing. Allele origin: germline. Not counted in ClinVar's aggregate classification.